The following is an entry in ClinVar:

ClinVar aggregate classification (germline): Uncertain significance. Review status: criteria provided, multiple submitters, no conflicts (2 of 4 stars). 4 submissions from 4 submitters: Uncertain significance (4). Last evaluated 2025-04-28.

Conditions:
Gnathodiaphyseal dysplasia (GDD). Also called: GNATHODIAPHYSEAL SCLEROSIS; OSTEOGENESIS IMPERFECTA WITH UNUSUAL SKELETAL LESIONS. Identifiers: Orphanet 53697, MedGen C1833736, MONDO:0008151, OMIM 166260.
Autosomal recessive limb-girdle muscular dystrophy type 2L (LGMDR12). Also called: MUSCULAR DYSTROPHY, LIMB-GIRDLE, AUTOSOMAL RECESSIVE 12; Limb-girdle muscular dystrophy, type 2L; Limb-Girdle Muscular Dystrophy R12 Anoctamin-5-Related (LGMD-R12). Identifiers: Orphanet 206549, MedGen C1969785, MONDO:0012652, OMIM 611307.
ANO5-related disorder. Also called: ANO5-related disorders; ANO5-related condition. Identifiers: MedGen CN239193.

Allele frequency attached by ClinVar (database versions not stated): gnomAD 0.00002; gnomAD exomes 0.00002 and 0.00003; TOPMed 0.00002; ExAC 0.00003; ESP Exome Variant Server 0.00015.
gnomAD v4.1: 34 of 1,611,036 alleles (0.0021%); highest among the groups gnomAD compares: Non-Finnish European, 0.0027%; no homozygotes.

Submissions (4):

PreventionGenetics, part of Exact Sciences
Classification: Uncertain significance for ANO5-related condition. Last evaluated: 2025-04-28. Review status: criteria provided, single submitter. Criteria: ACMG Guidelines, 2015. Collection method: clinical testing. Allele origin: germline.
Comment: The ANO5 c.1211G>A variant is predicted to result in the amino acid substitution p.Arg404Gln. This variant has been reported in an individual with limb-girdle muscular dystrophy (Töpf et al. 2020. PubMed ID: 32528171). This variant is reported in 0.0063% of alleles in individuals of European (Non-Finnish) descent in gnomAD. An alternate substitution of this same nucleotide (c.1211G>T, p.Arg404Leu) has also been reported in an individual with limb-girdle muscular dystrophy (Savarese et al. 2015. PubMed ID: 25891276). At this time, the clinical significance of this variant c.1211G>A (p.Arg404Gln) is uncertain due to the absence of conclusive functional and genetic evidence.

Labcorp Genetics (formerly Invitae), Labcorp
Classification: Uncertain significance for Autosomal recessive limb-girdle muscular dystrophy type 2L; Gnathodiaphyseal dysplasia. Last evaluated: 2024-03-04. Review status: criteria provided, single submitter. Criteria: Invitae Variant Classification Sherloc (09022015). Collection method: clinical testing. Allele origin: germline.
Comment: This sequence change replaces arginine, which is basic and polar, with glutamine, which is neutral and polar, at codon 404 of the ANO5 protein (p.Arg404Gln). This variant is present in population databases (rs375834855, gnomAD 0.005%). This missense change has been observed in individual(s) with clinical features of ANO5-related conditions (PMID: 32528171). ClinVar contains an entry for this variant (Variation ID: 497575). Advanced modeling of protein sequence and biophysical properties (such as structural, functional, and spatial information, amino acid conservation, physicochemical variation, residue mobility, and thermodynamic stability) has been performed at Invitae for this missense variant, however the output from this modeling did not meet the statistical confidence thresholds required to predict the impact of this variant on ANO5 protein function. In summary, the available evidence is currently insufficient to determine the role of this variant in disease. Therefore, it has been classified as a Variant of Uncertain Significance.

Revvity Omics, Revvity
Classification: Uncertain significance. Last evaluated: 2019-05-03. Review status: criteria provided, single submitter. Criteria: ACMG Guidelines, 2015. Collection method: clinical testing. Allele origin: germline.

Eurofins Ntd Llc (ga)
Classification: Uncertain significance. Last evaluated: 2016-10-20. Review status: criteria provided, single submitter. Criteria: EGL Classification Definitions 2015. Collection method: clinical testing. Allele origin: germline. Observed: 1 variant allele, 1 heterozygote.

Literature cited by the submitters: PubMed 32528171 (cited by Labcorp Genetics (formerly Invitae), Labcorp).

NM_213599.3(ANO5):c.1211G>A (p.Arg404Gln)

Gene: ANO5 (anoctamin 5; plus strand). Cytogenetic location: 11p14.3.
Variant type: single nucleotide variant.
Coding change: c.1211G>A on transcript NM_213599.3 (MANE Select); coding-DNA position 1211, G replaced by A.
Protein change: p.Arg404Gln; replaces arginine 404 with glutamine.
Molecular consequence: missense variant.
Genome position (GRCh38, 1-based): chr11:22,255,401, G>A. VCF-style: chr11-22255401-G-A. GRCh37 (hg19) VCF-style: chr11-22276947-G-A.
Other names: c.1211G>A (NM_213599.2); c.1208G>A, p.Arg403Gln (NM_001142649.2); short protein forms R404Q, R403Q.
Identifiers: ClinVar variation 497575 (VCV000497575.13), dbSNP rs375834855, ClinGen allele CA5923180.